The following is an entry in ClinVar:

ClinVar aggregate classification (germline): Uncertain significance (1 of 4 stars; one submission).

Conditions:
Cornelia de Lange syndrome 1 (CDLS1). Also called: TYPUS DEGENERATIVUS AMSTELODAMENSIS; Brachmann de Lange syndrome; NIPBL-Related Cornelia de Lange Syndrome. Identifiers: Orphanet 199, MedGen C4551851, MONDO:0007387, OMIM 122470.

Submission:

Juno Genomics, Hangzhou Juno Genomics, Inc
Classification: Uncertain significance for Cornelia de Lange syndrome 1. Review status: criteria provided, single submitter. Criteria: ACMG Guidelines, 2015. Collection method: clinical testing. Allele origin: germline.
Comment: Absent from controls (or at extremely low frequency if recessive) in Genome Aggregation Database.;Missense variant in a gene that has a low rate of benign missense variation.

NM_133433.4(NIPBL):c.7479T>A (p.Ser2493Arg)

Gene: NIPBL (NIPBL cohesin loading factor; plus strand). Cytogenetic location: 5p13.2.
Variant type: single nucleotide variant.
Coding change: c.7479T>A on transcript NM_133433.4 (MANE Select); coding-DNA position 7479, T replaced by A.
Protein change: p.Ser2493Arg; replaces serine 2493 with arginine.
Molecular consequence: missense variant.
Genome position (GRCh38, 1-based): chr5:37,058,959, T>A. VCF-style: chr5-37058959-T-A. GRCh37 (hg19) VCF-style: chr5-37059061-T-A.
Other names: c.7479T>A, p.Ser2493Arg (NM_001438586.1, NM_015384.5); short protein forms S2493R.
Identifiers: ClinVar variation 5018836 (VCV005018836.2).